The following is an entry in ClinVar:

NM_005618.4(DLL1):c.607A>G (p.Thr203Ala)

Gene: DLL1 (delta like canonical Notch ligand 1; minus strand). Cytogenetic location: 6q27.
Variant type: single nucleotide variant.
Coding change: c.607A>G on transcript NM_005618.4 (MANE Select); coding-DNA position 607, A replaced by G.
Protein change: p.Thr203Ala; replaces threonine 203 with alanine.
Molecular consequence: missense variant.
Genome position (GRCh38, 1-based): chr6:170,288,302, T>C on the plus strand (A>G on the coding strand, the complement: DLL1 is on the minus strand). VCF-style: chr6-170288302-T-C. GRCh37 (hg19) VCF-style: chr6-170597390-T-C.
Other names: c.607A>G (NM_005618.3); short protein forms T203A.
Identifiers: ClinVar variation 2896085 (VCV002896085.4), dbSNP rs768355515, ClinGen allele CA4107104.
Genomic context (GRCh38, chr6:170,288,302, plus strand): 5'-CTGTGCAGTAGGGCCCTTTCCAGCCAGGGTTGCACACTTTCTCCCCACGCTCCCCACAGG[T>C]GAAGTGGCCGAAGGCATCGTCCCGGGGACGGCAGAAAACGGAGCAGCCCTCTCCGTAGTA-3'
Protein context (NP_005609.3, residues 193-213): RPRDDAFGHF[Thr203Ala]CGERGEKVCN

ClinVar aggregate classification (germline): Uncertain significance. Review status: criteria provided, multiple submitters, no conflicts (2 of 4 stars). 2 submissions from 2 submitters: Uncertain significance (2). Last evaluated 2025-05-21.

Conditions:
Inborn genetic diseases. Identifiers: MedGen C0950123, MeSH D030342.

Allele frequency attached by ClinVar (database versions not stated): ExAC 0.00002; gnomAD 0.00003; gnomAD exomes 0.00003; TOPMed 0.00003.
gnomAD v4.1: 53 of 1,613,658 alleles (0.0033%); highest among the groups gnomAD compares: Non-Finnish European, 0.004%; no homozygotes.

Submissions (2):

Ambry Genetics
Classification: Uncertain significance for Inborn genetic diseases. Last evaluated: 2025-05-21. Review status: criteria provided, single submitter. Criteria: Ambry Variant Classification Scheme 2023. Collection method: clinical testing. Allele origin: germline.

Labcorp Genetics (formerly Invitae), Labcorp
Classification: Uncertain significance. Last evaluated: 2024-11-10. Review status: criteria provided, single submitter. Criteria: Invitae Variant Classification Sherloc (09022015). Collection method: clinical testing. Allele origin: germline.
Comment: This sequence change replaces threonine, which is neutral and polar, with alanine, which is neutral and non-polar, at codon 203 of the DLL1 protein (p.Thr203Ala). This variant is present in population databases (rs768355515, gnomAD 0.005%). This variant has not been reported in the literature in individuals affected with DLL1-related conditions. ClinVar contains an entry for this variant (Variation ID: 2896085). An algorithm developed to predict the effect of missense changes on protein structure and function (PolyPhen-2) suggests that this variant is likely to be tolerated. In summary, the available evidence is currently insufficient to determine the role of this variant in disease. Therefore, it has been classified as a Variant of Uncertain Significance.